The following is an entry in ClinVar:

NM_002336.3(LRP6):c.3692C>G (p.Pro1231Arg)

Gene: LRP6 (LDL receptor related protein 6; minus strand). Cytogenetic location: 12p13.2.
Variant type: single nucleotide variant.
Coding change: c.3692C>G on transcript NM_002336.3 (MANE Select); coding-DNA position 3692, C replaced by G.
Protein change: p.Pro1231Arg; replaces proline 1231 with arginine.
Molecular consequence: missense variant.
Genome position (GRCh38, 1-based): chr12:12,135,216, G>C on the plus strand (C>G on the coding strand, the complement: LRP6 is on the minus strand). VCF-style: chr12-12135216-G-C. GRCh37 (hg19) VCF-style: chr12-12288150-G-C.
Other names: c.3785C>G, p.Pro1262Arg (NM_001414244.1); c.3692C>G, p.Pro1231Arg (NM_001414245.1, NM_001414246.1, NM_001414248.1 and 2 more transcripts); c.3494C>G, p.Pro1165Arg (NM_001414247.1); c.3239C>G, p.Pro1080Arg (NM_001414252.1, NM_001414253.1, NM_001414254.1); c.3185C>G, p.Pro1062Arg (NM_001414255.1); short protein forms P1165R, P1062R, P1231R, P1080R, P1262R.
Identifiers: ClinVar variation 2108799 (VCV002108799.4), dbSNP rs2498663335, ClinGen allele CA383952805.

ClinVar aggregate classification (germline): Uncertain significance (1 of 4 stars; one submission).

Submission:

Labcorp Genetics (formerly Invitae), Labcorp
Classification: Uncertain significance. Last evaluated: 2022-03-11. Review status: criteria provided, single submitter. Criteria: Invitae Variant Classification Sherloc (09022015). Collection method: clinical testing. Allele origin: germline.
Comment: In summary, the available evidence is currently insufficient to determine the role of this variant in disease. Therefore, it has been classified as a Variant of Uncertain Significance. Algorithms developed to predict the effect of missense changes on protein structure and function (SIFT, PolyPhen-2, Align-GVGD) all suggest that this variant is likely to be disruptive. This variant has not been reported in the literature in individuals affected with LRP6-related conditions. This variant is not present in population databases (gnomAD no frequency). This sequence change replaces proline, which is neutral and non-polar, with arginine, which is basic and polar, at codon 1231 of the LRP6 protein (p.Pro1231Arg).